The following is an entry in ClinVar:

NM_001006630.2(CHRM2):c.54T>C (p.Tyr18=)

Genes: CHRM2 (cholinergic receptor muscarinic 2; plus strand), LOC349160 (uncharacterized LOC349160; minus strand). Cytogenetic location: 7q33.
Variant type: single nucleotide variant.
Coding change: c.54T>C on transcript NM_001006630.2 (MANE Select); coding-DNA position 54, T replaced by C.
Protein change: p.Tyr18=; no amino-acid change (tyrosine 18 retained).
Molecular consequence: synonymous variant.
Genome position (GRCh38, 1-based): chr7:137,014,919, T>C. VCF-style: chr7-137014919-T-C. GRCh37 (hg19) VCF-style: chr7-136699666-T-C.
Other names: c.54T>C, p.Tyr18= (NM_000739.3, NM_001006626.3, NM_001006627.3 and 6 more transcripts).
Identifiers: ClinVar variation 514639 (VCV000514639.4), dbSNP rs1441209174, ClinGen allele CA458083757.

ClinVar aggregate classification (germline): Likely benign. Review status: criteria provided, multiple submitters, no conflicts (2 of 4 stars). 3 submissions from 3 submitters: Likely benign (3). Last evaluated 2024-08-31.

Allele frequency attached by ClinVar (database versions not stated): gnomAD below 0.00001 and 0.00001; gnomAD exomes below 0.00001 and 0.00001.
gnomAD v4.1: 7 of 1,613,136 alleles (0.00043%); highest among the groups gnomAD compares: South Asian, 0.0066%; no homozygotes.

Submissions (3):

Labcorp Genetics (formerly Invitae), Labcorp
Classification: Likely benign. Last evaluated: 2024-08-31. Review status: criteria provided, single submitter. Criteria: Invitae Variant Classification Sherloc (09022015). Collection method: clinical testing. Allele origin: germline.

Blueprint Genetics
Classification: Likely benign. Last evaluated: 2024-07-18. Review status: criteria provided, single submitter. Criteria: ACMG Guidelines, 2015. Collection method: clinical testing. Allele origin: germline.

GeneDx
Classification: Likely benign. Last evaluated: 2018-01-17. Review status: criteria provided, single submitter. Criteria: GeneDx Variant Classification (06012015). Collection method: clinical testing. Allele origin: germline. Affected: yes.
Comment: This variant is considered likely benign or benign based on one or more of the following criteria: it is a conservative change, it occurs at a poorly conserved position in the protein, it is predicted to be benign by multiple in silico algorithms, and/or has population frequency not consistent with disease.